The following is an entry in ClinVar:

NM_000548.5(TSC2):c.336+103del

Gene: TSC2 (TSC complex subunit 2; plus strand). Cytogenetic location: 16p13.3.
Variant type: Deletion.
Coding change: c.336+103del on transcript NM_000548.5 (MANE Select); 103 bases into the intron after coding-DNA position 336, one base deleted (G; older notation c.336+103delG).
Molecular consequence: intron variant.
Genome position (GRCh38, 1-based): chr16:2,053,555, G deleted; the last of 3 consecutive G bases (chr16:2,053,553-2,053,555); deleting any one gives the same sequence. VCF-style (leftmost placement, unchanged base first): chr16-2053552-TG-T. GRCh37 (hg19) VCF-style: chr16-2103553-TG-T.
Other names: c.336+103del (NM_001114382.3, NM_021055.3, NM_001370405.1 and 3 more transcripts); c.226-741del (NM_001318827.2); c.-1-2641del (NM_001318831.2); c.189+103del (NM_001318829.2); c.369+103del (NM_001318832.2).
Identifiers: ClinVar variation 133425 (VCV000133425.1), dbSNP rs587778006, ClinGen allele CA156510.

ClinVar aggregate classification (germline): not provided (0 of 4 stars; one submission).

Submission:

ITMI
No classification provided. Condition: AllHighlyPenetrant. Last evaluated: 2013-09-19. Review status: no classification provided. Collection method: reference population. Allele origin: germline.
Comment: Please see associated publication for description of ethnicities

Literature cited by the submitters: PubMed 24728327.